The following is an entry in ClinVar:

NM_001267550.2(TTN):c.7766del (p.Lys2588_Leu2589insTer)

Gene: TTN (titin; minus strand). Cytogenetic location: 2q31.2.
Variant type: Deletion.
Coding change: c.7766del on transcript NM_001267550.2 (MANE Select); coding-DNA position 7766, one base deleted (T; older notation c.7766delT).
Protein change: p.Lys2588_Leu2589insTer.
Molecular consequence: nonsense.
Genome position (GRCh38, 1-based): chr2:178,773,198, A deleted on the plus strand (T on the coding strand, the reverse complement: TTN is on the minus strand); the first of 2 consecutive A bases (chr2:178,773,198-178,773,199); deleting either gives the same sequence. VCF-style (leftmost placement, unchanged base first): chr2-178773197-CA-C. GRCh37 (hg19) VCF-style: chr2-179637924-CA-C.
Other names: c.7766del, p.Lys2588_Leu2589insTer (NM_001256850.1, NM_133378.4, NM_133379.5); c.7628del, p.Lys2542_Leu2543insTer (NM_003319.4, NM_133432.3, NM_133437.4); c.7628delT (NM_003319.4).
Identifiers: ClinVar variation 1759862 (VCV001759862.2), dbSNP rs2532653345, ClinGen allele CA2580065148.
Genomic context (GRCh38, chr2:178,773,197, plus strand): 5'-ATTTTCTCCCGCGTAAAATGTGTATTTTCCTTCATCATCTTTCATCATATTTAGAACTGT[CA>C]ATTTATATATTTTTCCATGTGCTTCAATTTTATATTTAGAACTGGGCTTGATTTCCTTGT-3'

ClinVar aggregate classification (germline): Likely pathogenic (1 of 4 stars; one submission).

Conditions:
Cardiovascular phenotype. Identifiers: MedGen CN230736.

Submission:

Ambry Genetics
Classification: Likely pathogenic for Cardiovascular phenotype. Last evaluated: 2020-08-11. Review status: criteria provided, single submitter. Criteria: Ambry Variant Classification Scheme 2023. Collection method: clinical testing. Allele origin: germline.
Comment: The c.7628delT variant, located in coding exon 31 of the TTN gene, results from a deletion of one nucleotide at nucleotide position 7628, causing a translational frameshift with a predicted alternate stop codon (p.L2543*). This exon is located in the I-band region of the N2-B isoform of the titin protein and is constitutively expressed in TTN transcripts (percent spliced in or PSI 100%). This alteration is expected to result in loss of function by premature protein truncation or nonsense-mediated mRNA decay. While truncating variants in TTN are present in 1-3% of the general population, truncating variants in the A-band are the most common cause of dilated cardiomyopathy (DCM) (Herman DS et al. N. Engl. J. Med., 2012 Feb;366:619-28; Roberts AM et al. Sci Transl Med, 2015 Jan;7:270ra6). TTN truncating variants encoded in constitutive exons (PSI >90%) have been found to be significantly associated with DCM regardless of their position in titin (Schafer S et al. Nat. Genet., 2017 01;49:46-53). As such, this alteration is classified as likely pathogenic.